The following is an entry in ClinVar:

ClinVar aggregate classification (germline): Uncertain significance (1 of 4 stars; one submission).

Conditions:
Inborn genetic diseases. Identifiers: MedGen C0950123, MeSH D030342.

Submission:

Ambry Genetics
Classification: Uncertain significance for Inborn genetic diseases. Last evaluated: 2016-08-11. Review status: criteria provided, single submitter. Criteria: Ambry Variant Classification Scheme 2023. Collection method: clinical testing. Allele origin: germline.
Comment: The p.I345L variant (also known as c.1033A>C), located in coding exon 8 of the CTSF gene, results from an A to C substitution at nucleotide position 1033. The isoleucine at codon 345 is replaced by leucine, an amino acid with highly similar properties. This variant was not reported in population based cohorts in the following databases: Database of Single Nucleotide Polymorphisms (dbSNP), NHLBI Exome Sequencing Project (ESP), and 1000 Genomes Project. In the ESP, this variant was not observed in 6495 samples (12990 alleles) with coverage at this position. This amino acid position is highly conserved in available vertebrate species. In addition, this alteration is predicted to be tolerated by in silico analysis. Since supporting evidence is limited at this time, the clinical significance of this variant remains unclear.

NM_003793.4(CTSF):c.1033A>C (p.Ile345Leu)

Gene: CTSF (cathepsin F; minus strand). Cytogenetic location: 11q13.2.
Variant type: single nucleotide variant.
Coding change: c.1033A>C on transcript NM_003793.4 (MANE Select); coding-DNA position 1033, A replaced by C.
Protein change: p.Ile345Leu; replaces isoleucine 345 with leucine.
Molecular consequence: missense variant.
Genome position (GRCh38, 1-based): chr11:66,565,683, T>G on the plus strand (A>C on the coding strand, the complement: CTSF is on the minus strand). VCF-style: chr11-66565683-T-G. GRCh37 (hg19) VCF-style: chr11-66333154-T-G.
Other names: short protein forms I345L.
Identifiers: ClinVar variation 589888 (VCV000589888.5), dbSNP rs1565312331, ClinGen allele CA381459781.